The following is an entry in ClinVar:

ClinVar aggregate classification (germline): Conflicting classifications of pathogenicity. Review status: criteria provided, conflicting classifications (1 of 4 stars). 4 submissions from 4 submitters: Likely pathogenic (2); Uncertain significance (2). Last evaluated 2025-12-09.

Conditions:
Hypotonia, infantile, with psychomotor retardation and characteristic facies 2 (IHPRF2). Also called: UNC80 Deficiency. Identifiers: Orphanet 371364, Orphanet 700333, MedGen C4225203, MONDO:0014777, OMIM 616801.

Allele frequency attached by ClinVar (database versions not stated): gnomAD 0.00001; TOPMed below 0.00001.
gnomAD v4.1: 3 of 1,547,772 alleles (0.00019%); highest among the groups gnomAD compares: African/African-American, 0.0027%; no homozygotes.

Submissions (4):

GeneDx
Classification: Likely pathogenic. Last evaluated: 2025-12-09. Review status: criteria provided, single submitter. Criteria: GeneDx Variant Classification Process June 2021. Collection method: clinical testing. Allele origin: germline.
Comment: Canonical splice site variant predicted to result in a null allele in a gene for which loss of function is a known mechanism of disease; Not observed at significant frequency in large population cohorts (gnomAD); Reported previously in a patient with autism spectrum disorder, and as not maternally inherited; however, no further clinical information was provided (PMID: 30564305); This variant is associated with the following publications: (PMID: 30564305)

Genomic Medicine Center of Excellence, King Faisal Specialist Hospital and Research Centre
Classification: Uncertain significance for Hypotonia, infantile, with psychomotor retardation and characteristic facies 2. Last evaluated: 2025-09-10. Review status: criteria provided, single submitter. Criteria: ACMG Guidelines, 2015. Collection method: clinical testing. Allele origin: germline.

Labcorp Genetics (formerly Invitae), Labcorp
Classification: Uncertain significance. Last evaluated: 2024-02-22. Review status: criteria provided, single submitter. Criteria: Invitae Variant Classification Sherloc (09022015). Collection method: clinical testing. Allele origin: germline.
Comment: This sequence change affects a donor splice site in intron 63 of the UNC80 gene. While this variant is not anticipated to result in nonsense mediated decay, it likely alters RNA splicing and results in a disrupted protein product. This variant is not present in population databases (gnomAD no frequency). This variant has not been reported in the literature in individuals affected with UNC80-related conditions. ClinVar contains an entry for this variant (Variation ID: 2159369). Variants that disrupt the consensus splice site are a relatively common cause of aberrant splicing (PMID: 17576681, 9536098). Algorithms developed to predict the effect of sequence changes on RNA splicing suggest that this variant may disrupt the consensus splice site. In summary, the available evidence is currently insufficient to determine the role of this variant in disease. Therefore, it has been classified as a Variant of Uncertain Significance.

Revvity Omics, Revvity
Classification: Likely pathogenic for Hypotonia, infantile, with psychomotor retardation and characteristic facies 2. Last evaluated: 2022-12-15. Review status: criteria provided, single submitter. Criteria: ACMG Guidelines, 2015. Collection method: clinical testing. Allele origin: germline.

Literature cited by the submitters: PubMed 17576681 (cited by Labcorp Genetics (formerly Invitae), Labcorp); PubMed 9536098 (cited by Labcorp Genetics (formerly Invitae), Labcorp).

NM_001371986.1(UNC80):c.9708+1G>A

Gene: UNC80 (unc-80 subunit of NALCN channel complex; plus strand). Cytogenetic location: 2q34.
Variant type: single nucleotide variant.
Coding change: c.9708+1G>A on transcript NM_001371986.1 (MANE Select); the canonical splice donor site of the intron after coding-DNA position 9708, G replaced by A.
Molecular consequence: splice donor variant.
Genome position (GRCh38, 1-based): chr2:209,994,265, G>A. VCF-style: chr2-209994265-G-A. GRCh37 (hg19) VCF-style: chr2-210858989-G-A.
Other names: c.9510+1G>A (NM_032504.2); c.9438+1G>A (NM_182587.4).
Identifiers: ClinVar variation 2159369 (VCV002159369.7), dbSNP rs2093445172, ClinGen allele CA350416106.